The following is an entry in ClinVar:

NM_003327.4(TNFRSF4):c.779G>A (p.Arg260Gln)

Gene: TNFRSF4 (TNF receptor superfamily member 4; minus strand). Cytogenetic location: 1p36.33.
Variant type: single nucleotide variant.
Coding change: c.779G>A on transcript NM_003327.4 (MANE Select); coding-DNA position 779, G replaced by A.
Protein change: p.Arg260Gln; replaces arginine 260 with glutamine.
Molecular consequence: missense variant.
Genome position (GRCh38, 1-based): chr1:1,211,610, C>T on the plus strand (G>A on the coding strand, the complement: TNFRSF4 is on the minus strand). VCF-style: chr1-1211610-C-T. GRCh37 (hg19) VCF-style: chr1-1146990-C-T.
Other names: c.857G>A, p.Arg286Gln (NM_001410709.1); short protein forms R286Q, R260Q.
Identifiers: ClinVar variation 2957317 (VCV002957317.3), dbSNP rs1197400104, ClinGen allele CA337798397.

ClinVar aggregate classification (germline): Uncertain significance (1 of 4 stars; one submission).

Conditions:
Combined immunodeficiency due to OX40 deficiency. Also called: OX40 DEFICIENCY; Immunodeficiency 16. Identifiers: Orphanet 431149, MedGen C3810053, MONDO:0014268, OMIM 615593.

Allele frequency attached by ClinVar (database versions not stated): gnomAD 0.00001; gnomAD exomes 0.00001; TOPMed 0.00002.
gnomAD v4.1: 16 of 1,533,734 alleles (0.001%); highest among the groups gnomAD compares: Non-Finnish European, 0.0013%; no homozygotes.

Submission:

Labcorp Genetics (formerly Invitae), Labcorp
Classification: Uncertain significance for Combined immunodeficiency due to OX40 deficiency. Last evaluated: 2023-01-31. Review status: criteria provided, single submitter. Criteria: Invitae Variant Classification Sherloc (09022015). Collection method: clinical testing. Allele origin: germline.
Comment: This sequence change replaces arginine, which is basic and polar, with glutamine, which is neutral and polar, at codon 260 of the TNFRSF4 protein (p.Arg260Gln). In summary, the available evidence is currently insufficient to determine the role of this variant in disease. Therefore, it has been classified as a Variant of Uncertain Significance. Algorithms developed to predict the effect of missense changes on protein structure and function are either unavailable or do not agree on the potential impact of this missense change (SIFT: "Deleterious"; PolyPhen-2: "Probably Damaging"; Align-GVGD: "Class C0"). This variant has not been reported in the literature in individuals affected with TNFRSF4-related conditions. The frequency data for this variant in the population databases is considered unreliable, as metrics indicate poor data quality at this position in the gnomAD database.